The following is an entry in ClinVar:

ClinVar aggregate classification (germline): Uncertain significance. Review status: criteria provided, multiple submitters, no conflicts (2 of 4 stars). 2 submissions from 2 submitters: Uncertain significance (2). Last evaluated 2025-01-20.

Allele frequency attached by ClinVar (database versions not stated): ExAC 0.00002; gnomAD exomes 0.00002; TOPMed 0.00003; ESP Exome Variant Server 0.00008.
gnomAD v4.1: 39 of 1,613,820 alleles (0.0024%); highest among the groups gnomAD compares: Middle Eastern, 0.016%; no homozygotes.

Submissions (2):

Labcorp Genetics (formerly Invitae), Labcorp
Classification: Uncertain significance. Last evaluated: 2025-01-20. Review status: criteria provided, single submitter. Criteria: Invitae Variant Classification Sherloc (09022015). Collection method: clinical testing. Allele origin: germline.
Comment: This sequence change replaces arginine, which is basic and polar, with tryptophan, which is neutral and slightly polar, at codon 730 of the ELP1 protein (p.Arg730Trp). This variant is present in population databases (rs375967301, gnomAD 0.004%). This variant has not been reported in the literature in individuals affected with ELP1-related conditions. ClinVar contains an entry for this variant (Variation ID: 2150229). Invitae Evidence Modeling of protein sequence and biophysical properties (such as structural, functional, and spatial information, amino acid conservation, physicochemical variation, residue mobility, and thermodynamic stability) indicates that this missense variant is expected to disrupt ELP1 protein function with a positive predictive value of 80%. In summary, the available evidence is currently insufficient to determine the role of this variant in disease. Therefore, it has been classified as a Variant of Uncertain Significance.

Ambry Genetics
Classification: Uncertain significance. Last evaluated: 2023-03-27. Review status: criteria provided, single submitter. Criteria: Ambry Variant Classification Scheme 2023. Collection method: clinical testing. Allele origin: germline.

NM_003640.5(ELP1):c.2188C>T (p.Arg730Trp)

Gene: ELP1 (elongator acetyltransferase complex subunit 1; minus strand). Cytogenetic location: 9q31.3.
Variant type: single nucleotide variant.
Coding change: c.2188C>T on transcript NM_003640.5 (MANE Select); coding-DNA position 2188, C replaced by T.
Protein change: p.Arg730Trp; replaces arginine 730 with tryptophan.
Molecular consequence: missense variant.
Genome position (GRCh38, 1-based): chr9:108,899,838, G>A on the plus strand (C>T on the coding strand, the complement: ELP1 is on the minus strand). VCF-style: chr9-108899838-G-A. GRCh37 (hg19) VCF-style: chr9-111662118-G-A.
Other names: c.1846C>T, p.Arg616Trp (NM_001318360.2); c.1141C>T, p.Arg381Trp (NM_001330749.2); short protein forms R381W, R730W, R616W.
Identifiers: ClinVar variation 2150229 (VCV002150229.5), dbSNP rs375967301, ClinGen allele CA5174749.